The following is an entry in ClinVar:

NM_004333.6(BRAF):c.59A>C (p.Asn20Thr)

Gene: BRAF (B-Raf proto-oncogene, serine/threonine kinase; minus strand). Cytogenetic location: 7q34.
Variant type: single nucleotide variant.
Coding change: c.59A>C on transcript NM_004333.6 (MANE Select); coding-DNA position 59, A replaced by C.
Protein change: p.Asn20Thr; replaces asparagine 20 with threonine.
Molecular consequence: missense variant.
Genome position (GRCh38, 1-based): chr7:140,924,645, T>G on the plus strand (A>C on the coding strand, the complement: BRAF is on the minus strand). VCF-style: chr7-140924645-T-G. GRCh37 (hg19) VCF-style: chr7-140624445-T-G.
Other names: c.59A>C, p.Asn20Thr (NM_001354609.2, NM_001374244.1, NM_001374258.1 and 7 more transcripts); short protein forms N20T.
Identifiers: ClinVar variation 2566900 (VCV002566900.2), dbSNP rs781085650, ClinGen allele CA369590179.

ClinVar aggregate classification (germline): Uncertain significance (1 of 4 stars; one submission).

Conditions:
Cardiovascular phenotype. Identifiers: MedGen CN230736.

Submission:

Ambry Genetics
Classification: Uncertain significance for Cardiovascular phenotype. Last evaluated: 2023-05-15. Review status: criteria provided, single submitter. Criteria: Ambry Variant Classification Scheme 2023. Collection method: clinical testing. Allele origin: germline.
Comment: The p.N20T variant (also known as c.59A>C), located in coding exon 1 of the BRAF gene, results from an A to C substitution at nucleotide position 59. The asparagine at codon 20 is replaced by threonine, an amino acid with similar properties. This amino acid position is conserved. In addition, this alteration is predicted to be tolerated by in silico analysis. Since supporting evidence is limited at this time, the clinical significance of this alteration remains unclear.